The following is an entry in ClinVar:

ClinVar aggregate classification (germline): Uncertain significance (1 of 4 stars; one submission).

Conditions:
Peripheral neuropathy. Also called: Neuropathy. Identifiers: MedGen C0031117, MONDO:0005244, HP:0009830.

Allele frequency attached by ClinVar (database versions not stated): gnomAD exomes below 0.00001; TOPMed below 0.00001; ExAC 0.00001; gnomAD 0.00001.
gnomAD v4.1: 2 of 1,613,852 alleles (0.00012%); highest among the groups gnomAD compares: African/African-American, 0.0027%; no homozygotes.

Submission:

Labcorp Genetics (formerly Invitae), Labcorp
Classification: Uncertain significance for Peripheral neuropathy. Last evaluated: 2021-01-12. Review status: criteria provided, single submitter. Criteria: Invitae Variant Classification Sherloc (09022015). Collection method: clinical testing. Allele origin: germline.
Comment: This sequence change replaces glycine with alanine at codon 97 of the FLRT1 protein (p.Gly97Ala). The glycine residue is highly conserved and there is a small physicochemical difference between glycine and alanine. This variant is present in population databases (rs771072390, ExAC 0.01%). This variant has not been reported in the literature in individuals with FLRT1-related conditions. Algorithms developed to predict the effect of missense changes on protein structure and function (SIFT, PolyPhen-2, Align-GVGD) all suggest that this variant is likely to be disruptive, but these predictions have not been confirmed by published functional studies and their clinical significance is uncertain. In summary, the available evidence is currently insufficient to determine the role of this variant in disease. Therefore, it has been classified as a Variant of Uncertain Significance.

NM_013280.5(FLRT1):c.290G>C (p.Gly97Ala)

Genes: FLRT1 (fibronectin leucine rich transmembrane protein 1; plus strand), MACROD1 (mono-ADP ribosylhydrolase 1; minus strand). Cytogenetic location: 11q13.1.
Variant type: single nucleotide variant.
Coding change: c.290G>C on transcript NM_013280.5 (MANE Select); coding-DNA position 290, G replaced by C.
Protein change: p.Gly97Ala; replaces glycine 97 with alanine.
Molecular consequence: missense variant. On other transcripts: intron variant (2).
Genome position (GRCh38, 1-based): chr11:64,116,557, G>C. VCF-style: chr11-64116557-G-C. GRCh37 (hg19) VCF-style: chr11-63884029-G-C.
Other names: c.290G>C, p.Gly97Ala (NM_001384466.1); c.206G>C, p.Gly69Ala (NM_001423967.1); c.517+34682C>G (NM_001411019.1, NM_014067.4); short protein forms G97A, G69A.
Identifiers: ClinVar variation 1402858 (VCV001402858.8), dbSNP rs771072390, ClinGen allele CA6067456.
Genomic context (GRCh38, chr11:64,116,557, plus strand): 5'-CAGATATCCCTGATGATGCCACCACCCTCTACCTGCAGAACAACCAGATCAACAACGCCG[G>C]CATCCCCCAGGACCTCAAGACCAAGGTCAACGTGCAGGTCATCTACCTATACGAGAATGA-3'
Protein context (NP_037412.2, residues 87-107): YLQNNQINNA[Gly97Ala]IPQDLKTKVN